The following is an entry in ClinVar:

ClinVar aggregate classification (germline): Uncertain significance (1 of 4 stars; one submission).

Conditions:
Spastic ataxia 2. Also called: Ataxia, spastic, 2, autosomal recessive. Identifiers: Orphanet 397946, MedGen C1969796, MONDO:0012651, OMIM 611302.

Allele frequency attached by ClinVar (database versions not stated): gnomAD 0.00001; gnomAD exomes 0.00001; TOPMed 0.00001.
gnomAD v4.1: 11 of 1,613,860 alleles (0.00068%); highest among the groups gnomAD compares: Admixed American, 0.0033%; no homozygotes.

Submission:

Labcorp Genetics (formerly Invitae), Labcorp
Classification: Uncertain significance for Spastic ataxia 2. Last evaluated: 2019-10-19. Review status: criteria provided, single submitter. Criteria: Invitae Variant Classification Sherloc (09022015). Collection method: clinical testing. Allele origin: germline.
Comment: In summary, the available evidence is currently insufficient to determine the role of this variant in disease. Therefore, it has been classified as a Variant of Uncertain Significance. This sequence change replaces asparagine with serine at codon 39 of the KIF1C protein (p.Asn39Ser). The asparagine residue is highly conserved and there is a small physicochemical difference between asparagine and serine. This variant is not present in population databases (ExAC no frequency). This variant has not been reported in the literature in individuals with KIF1C-related disease. Algorithms developed to predict the effect of missense changes on protein structure and function do not agree on the potential impact of this missense change (SIFT: "Deleterious"; PolyPhen-2: "Benign"; Align-GVGD: "Class C0").

NM_006612.6(KIF1C):c.116A>G (p.Asn39Ser)

Gene: KIF1C (kinesin family member 1C; plus strand). Cytogenetic location: 17p13.2.
Variant type: single nucleotide variant.
Coding change: c.116A>G on transcript NM_006612.6 (MANE Select); coding-DNA position 116, A replaced by G.
Protein change: p.Asn39Ser; replaces asparagine 39 with serine.
Molecular consequence: missense variant.
Genome position (GRCh38, 1-based): chr17:5,000,781, A>G. VCF-style: chr17-5000781-A-G. GRCh37 (hg19) VCF-style: chr17-4904076-A-G.
Other names: short protein forms N39S.
Identifiers: ClinVar variation 536734 (VCV000536734.10), dbSNP rs1368090910, ClinGen allele CA397342753.